The following is an entry in ClinVar:

ClinVar aggregate classification (germline): Uncertain significance. Review status: criteria provided, multiple submitters, no conflicts (2 of 4 stars). 2 submissions from 2 submitters: Uncertain significance (2). Last evaluated 2025-07-03.

Conditions:
Hereditary cancer-predisposing syndrome. Also called: Tumor predisposition; Hereditary Cancer Syndrome; Hereditary neoplastic syndrome; Neoplastic Syndromes, Hereditary. Identifiers: Orphanet 140162, MedGen C0027672, MeSH D009386, MONDO:0015356.
Hereditary diffuse gastric adenocarcinoma (HDGC). Also called: DIFFUSE GASTRIC AND LOBULAR BREAST CANCER SYNDROME. Identifiers: Orphanet 26106, MedGen C1708349, MONDO:0007648, OMIM 137215.

Allele frequency attached by ClinVar (database versions not stated): gnomAD exomes below 0.00001 and 0.00001; ExAC 0.00002.
gnomAD v4.1: 2 of 1,614,060 alleles (0.00012%); highest among the groups gnomAD compares: Non-Finnish European, 0.000085%; no homozygotes.

Submissions (2):

Ambry Genetics
Classification: Uncertain significance for Hereditary cancer-predisposing syndrome. Last evaluated: 2025-07-03. Review status: criteria provided, single submitter. Criteria: Ambry Variant Classification Scheme 2023. Collection method: clinical testing. Allele origin: germline.
Comment: The p.T468A variant (also known as c.1402A>G), located in coding exon 10 of the CDH1 gene, results from an A to G substitution at nucleotide position 1402. The threonine at codon 468 is replaced by alanine, an amino acid with similar properties. This amino acid position is not well conserved in available vertebrate species. In addition, this alteration is predicted to be tolerated by in silico analysis. Based on the available evidence, the clinical significance of this variant remains unclear.

Labcorp Genetics (formerly Invitae), Labcorp
Classification: Uncertain significance for Hereditary diffuse gastric adenocarcinoma. Last evaluated: 2022-01-14. Review status: criteria provided, single submitter. Criteria: Invitae Variant Classification Sherloc (09022015). Collection method: clinical testing. Allele origin: germline.
Comment: In summary, the available evidence is currently insufficient to determine the role of this variant in disease. Therefore, it has been classified as a Variant of Uncertain Significance. Algorithms developed to predict the effect of missense changes on protein structure and function (SIFT, PolyPhen-2, Align-GVGD) all suggest that this variant is likely to be tolerated. ClinVar contains an entry for this variant (Variation ID: 185314). This variant has not been reported in the literature in individuals affected with CDH1-related conditions. This variant is present in population databases (rs745617489, gnomAD 0.004%). This sequence change replaces threonine, which is neutral and polar, with alanine, which is neutral and non-polar, at codon 468 of the CDH1 protein (p.Thr468Ala).

NM_004360.5(CDH1):c.1402A>G (p.Thr468Ala)

Gene: CDH1 (cadherin 1; plus strand). Cytogenetic location: 16q22.1.
Variant type: single nucleotide variant.
Coding change: c.1402A>G on transcript NM_004360.5 (MANE Select); coding-DNA position 1402, A replaced by G.
Protein change: p.Thr468Ala; replaces threonine 468 with alanine.
Molecular consequence: missense variant. On other transcripts: 5 prime UTR variant (2).
Genome position (GRCh38, 1-based): chr16:68,815,596, A>G. VCF-style: chr16-68815596-A-G. GRCh37 (hg19) VCF-style: chr16-68849499-A-G.
Other names: c.1402A>G (LRG_301t1); c.1219A>G, p.Thr407Ala (NM_001317184.2); c.-147A>G (NM_001317185.2); c.-418A>G (NM_001317186.2); short protein forms T468A, T407A.
Identifiers: ClinVar variation 185314 (VCV000185314.11), dbSNP rs745617489, ClinGen allele CA191607.